The following is an entry in ClinVar:

ClinVar aggregate classification (germline): Uncertain significance (1 of 4 stars; one submission).

Conditions:
Early-infantile DEE. Also called: Ohtahara syndrome; Early infantile epileptic encephalopathy with suppression bursts; Early infantile epileptic encephalopathy. Identifiers: Orphanet 1934, MedGen C0393706, MONDO:0800491.

Submission:

Labcorp Genetics (formerly Invitae), Labcorp
Classification: Uncertain significance for Early-infantile DEE. Last evaluated: 2024-05-06. Review status: criteria provided, single submitter. Criteria: Invitae Variant Classification Sherloc (09022015). Collection method: clinical testing. Allele origin: germline.
Comment: This sequence change replaces threonine, which is neutral and polar, with serine, which is neutral and polar, at codon 1394 of the SCN1A protein (p.Thr1394Ser). This variant is not present in population databases (gnomAD no frequency). This variant has not been reported in the literature in individuals affected with SCN1A-related conditions. Advanced modeling of protein sequence and biophysical properties (such as structural, functional, and spatial information, amino acid conservation, physicochemical variation, residue mobility, and thermodynamic stability) performed at Invitae indicates that this missense variant is not expected to disrupt SCN1A protein function with a negative predictive value of 95%. This variant disrupts the p.Thr1394 amino acid residue in SCN1A. Other variant(s) that disrupt this residue have been determined to be pathogenic (PMID: 21248271; Invitae). This suggests that this residue is clinically significant, and that variants that disrupt this residue are likely to be disease-causing. In summary, the available evidence is currently insufficient to determine the role of this variant in disease. Therefore, it has been classified as a Variant of Uncertain Significance.

Literature cited by the submitters: PubMed 21248271.

NM_001165963.4(SCN1A):c.4181C>G (p.Thr1394Ser)

Genes: SCN1A (sodium voltage-gated channel alpha subunit 1; minus strand), LOC102724058 (uncharacterized LOC102724058; plus strand). Cytogenetic location: 2q24.3.
Variant type: single nucleotide variant.
Coding change: c.4181C>G on transcript NM_001165963.4 (MANE Select); coding-DNA position 4181, C replaced by G.
Protein change: p.Thr1394Ser; replaces threonine 1394 with serine.
Molecular consequence: missense variant. On other transcripts: non-coding transcript variant (1).
Genome position (GRCh38, 1-based): chr2:166,002,575, G>C on the plus strand (C>G on the coding strand, the complement: SCN1A is on the minus strand). VCF-style: chr2-166002575-G-C. GRCh37 (hg19) VCF-style: chr2-166859085-G-C.
Other names: c.4097C>G, p.Thr1366Ser (NM_001165964.3, NM_001353957.2, NM_001353958.2); c.4181C>G, p.Thr1394Ser (NM_001202435.3, NM_001353948.2); c.4148C>G, p.Thr1383Ser (NM_001353949.2, NM_001353950.2, NM_001353951.2 and 2 more transcripts); c.4145C>G, p.Thr1382Ser (NM_001353954.2, NM_001353955.2); c.4094C>G, p.Thr1365Ser (NM_001353960.2); c.1739C>G, p.Thr580Ser (NM_001353961.2); short protein forms T1394S, T1365S, T1382S, T1366S, T1383S, T580S.
Identifiers: ClinVar variation 3716442 (VCV003716442.2).